The following is an entry in ClinVar:

ClinVar aggregate classification (germline): Uncertain significance (1 of 4 stars; one submission).

Conditions:
Arrhythmogenic right ventricular dysplasia 5. Also called: Arrhythmogenic Right Ventricular Dysplasia/Cardiomyopathy 5; ARRHYTHMOGENIC RIGHT VENTRICULAR DYSPLASIA, FAMILIAL, 5. Identifiers: MedGen C1858379, MONDO:0011459, OMIM 604400.

Submission:

Labcorp Genetics (formerly Invitae), Labcorp
Classification: Uncertain significance for Arrhythmogenic right ventricular dysplasia 5. Last evaluated: 2025-05-19. Review status: criteria provided, single submitter. Criteria: Invitae Variant Classification Sherloc (09022015). Collection method: clinical testing. Allele origin: germline.
Comment: This sequence change replaces isoleucine, which is neutral and non-polar, with threonine, which is neutral and polar, at codon 387 of the TMEM43 protein (p.Ile387Thr). This variant is not present in population databases (gnomAD no frequency). This variant has not been reported in the literature in individuals affected with TMEM43-related conditions. Invitae Evidence Modeling of protein sequence and biophysical properties (such as structural, functional, and spatial information, amino acid conservation, physicochemical variation, residue mobility, and thermodynamic stability) indicates that this missense variant is not expected to disrupt TMEM43 protein function with a negative predictive value of 80%. In summary, the available evidence is currently insufficient to determine the role of this variant in disease. Therefore, it has been classified as a Variant of Uncertain Significance.

NM_024334.3(TMEM43):c.1160T>C (p.Ile387Thr)

Gene: TMEM43 (transmembrane protein 43; plus strand). Cytogenetic location: 3p25.1.
Variant type: single nucleotide variant.
Coding change: c.1160T>C on transcript NM_024334.3 (MANE Select); coding-DNA position 1160, T replaced by C.
Protein change: p.Ile387Thr; replaces isoleucine 387 with threonine.
Molecular consequence: missense variant.
Genome position (GRCh38, 1-based): chr3:14,141,752, T>C. VCF-style: chr3-14141752-T-C. GRCh37 (hg19) VCF-style: chr3-14183252-T-C.
Other names: c.1163T>C, p.Ile388Thr (NM_001407274.1); c.1157T>C, p.Ile386Thr (NM_001407275.1, NM_001407276.1); c.1154T>C, p.Ile385Thr (NM_001407277.1); c.1145T>C, p.Ile382Thr (NM_001407278.1); c.1085T>C, p.Ile362Thr (NM_001407279.1); c.1010T>C, p.Ile337Thr (NM_001407280.1); short protein forms I382T, I362T, I337T, I386T, I385T, I387T, I388T.
Identifiers: ClinVar variation 4740478 (VCV004740478.1).